The following is an entry in ClinVar:

ClinVar aggregate classification (germline): Uncertain significance. Review status: criteria provided, multiple submitters, no conflicts (2 of 4 stars). 4 submissions from 4 submitters: Uncertain significance (3). 1 of the submissions does not count toward it. Last evaluated 2025-06-12.

Conditions:
Autosomal recessive nonsyndromic hearing loss 1A (DFNB1A). Also called: Deafness, autosomal recessive 1A; Connexin 26 deafness; Deafness nonsyndromic, Connexin 26 linked; Nonsyndromic Hearing Loss and Deafness, DFNB1; GJB2-Related Autosomal Recessive Nonsyndromic Hearing Loss; GJB6-Related DFNB 1 Nonsyndromic Hearing Loss and Deafness. Identifiers: Orphanet 90636, MedGen C2673759, MONDO:0009076, OMIM 220290.

Allele frequency attached by ClinVar (database versions not stated): ExAC 0.00004; gnomAD exomes 0.00004; gnomAD 0.00007; TOPMed 0.00009; 1000 Genomes Project 30x 0.00016; 1000 Genomes Project 0.00020.

Submissions (4):

GeneDx
Classification: Uncertain significance. Last evaluated: 2025-06-12. Review status: criteria provided, single submitter. Criteria: GeneDx Variant Classification Process June 2021. Collection method: clinical testing. Allele origin: germline.
Comment: In silico analysis supports that this missense variant has a deleterious effect on protein structure/function; Has not been previously published as pathogenic or benign to our knowledge; This variant is associated with the following publications: (PMID: 25388846)

Labcorp Genetics (formerly Invitae), Labcorp
Classification: Uncertain significance. Last evaluated: 2024-09-21. Review status: criteria provided, single submitter. Criteria: Invitae Variant Classification Sherloc (09022015). Collection method: clinical testing. Allele origin: germline.
Comment: This sequence change replaces phenylalanine, which is neutral and non-polar, with serine, which is neutral and polar, at codon 142 of the GJB2 protein (p.Phe142Ser). This variant is present in population databases (rs116769964, gnomAD 0.05%). This variant has not been reported in the literature in individuals affected with GJB2-related conditions. ClinVar contains an entry for this variant (Variation ID: 496220). Invitae Evidence Modeling of protein sequence and biophysical properties (such as structural, functional, and spatial information, amino acid conservation, physicochemical variation, residue mobility, and thermodynamic stability) indicates that this missense variant is expected to disrupt GJB2 protein function with a positive predictive value of 95%. In summary, the available evidence is currently insufficient to determine the role of this variant in disease. Therefore, it has been classified as a Variant of Uncertain Significance.

Women's Health and Genetics/Laboratory Corporation of America, LabCorp
Classification: Uncertain significance. Last evaluated: 2017-05-16. Review status: criteria provided, single submitter. Criteria: LabCorp Variant Classification Summary - May 2015. Collection method: clinical testing. Allele origin: germline.
Comment: Variant summary: The GJB2 c.425T>C (p.Phe142Ser) variant involves the alteration of a conserved nucleotide and is predicted to be damaging by 4/4 in silico tools (SNPsandGO not captured due to low reliability index). This variant was found in 5/121060 control chromosomes from ExAC at a frequency of 0.0000413, which does not exceed the estimated maximal expected allele frequency of a pathogenic GJB2 variant (0.0003376). The variant of interest has not, to our knowledge, been reported in affected individuals via publications and/or reputable databases/clinical diagnostic laboratories, nor has it been evaluated for functional impact by in vivo/vitro studies. Two missense changes have been observed in this same codon in patients with NSHL: a do novo F142L variant in one patient (PMID: 14708631) and heterozygous F142I variant in another patient (PMID: 24645897). The phenylalanine at position 142, located in the third transmembrane, is evolutionarily conserved, as determined by ClustalW2 alignment among mammalian species. The loss of the orthologous phenylalanine residue might interfere with the -helical structure of the transmembrane and the proper topologies of GJB2 resulting in faster closure of gap junction channels and inhibition of signal propagation (discussed in PMID 24645897). These data suggests that this variant is possibly pathogenic. However, due to absence of clinical information and the lack of functional studies, this variant is currently classified as a variant of uncertain significance (VUS) until additional information becomes available.

Natera, Inc.
Classification: Uncertain significance for Autosomal recessive deafness type 1A. Last evaluated: 2020-09-29. Review status: no assertion criteria provided. Collection method: clinical testing. Allele origin: germline. Not counted in ClinVar's aggregate classification.

NM_004004.6(GJB2):c.425T>C (p.Phe142Ser)

Gene: GJB2 (gap junction protein beta 2; minus strand). Cytogenetic location: 13q12.11.
Variant type: single nucleotide variant.
Coding change: c.425T>C on transcript NM_004004.6 (MANE Select); coding-DNA position 425, T replaced by C.
Protein change: p.Phe142Ser; replaces phenylalanine 142 with serine.
Molecular consequence: missense variant.
Genome position (GRCh38, 1-based): chr13:20,189,157, A>G on the plus strand (T>C on the coding strand, the complement: GJB2 is on the minus strand). VCF-style: chr13-20189157-A-G. GRCh37 (hg19) VCF-style: chr13-20763296-A-G.
Other names: short protein forms F142S.
Identifiers: ClinVar variation 496220 (VCV000496220.5), dbSNP rs116769964, ClinGen allele CA6904271.
Genomic context (GRCh38, chr13:20,189,157, plus strand): 5'-GAGAAGCCGTCGTACATGACATAGAAGACGTACATGAAGGCGGCTTCGAAGATGACCCGG[A>G]AGAAGATGCTGCTTGTGTAGGTCCACCACAGGGAGCCTTCGATGCGGACCTTCTGGGTTT-3'
Protein context (NP_003995.2, residues 132-152): LWWTYTSSIF[Phe142Ser]RVIFEAAFMY